The following is an entry in ClinVar:

ClinVar aggregate classification (germline): Benign/Likely benign. Review status: criteria provided, multiple submitters, no conflicts (2 of 4 stars). 3 submissions from 3 submitters: Benign (2); Likely benign (1). Last evaluated 2026-01-15.

Conditions:
Holoprosencephaly 11 (HPE11). Identifiers: Orphanet 2162, MedGen C3280215, MONDO:0013642, OMIM 614226.

Allele frequency attached by ClinVar (database versions not stated): gnomAD exomes 0.00050 and 0.00130; ExAC 0.00154; gnomAD 0.00441 and 0.00466; TOPMed 0.00451; 1000 Genomes Project 0.00519; ESP Exome Variant Server 0.00538; 1000 Genomes Project 30x 0.00593.
gnomAD v4.1: 1,449 of 1,614,126 alleles (0.09%); highest among the groups gnomAD compares: African/African-American, 1.5%; 11 homozygotes.

Submissions (3):

Labcorp Genetics (formerly Invitae), Labcorp
Classification: Benign for Holoprosencephaly 11. Last evaluated: 2026-01-15. Review status: criteria provided, single submitter. Criteria: Invitae Variant Classification Sherloc (09022015). Collection method: clinical testing. Allele origin: germline.

Blueprint Genetics
Classification: Likely benign. Last evaluated: 2024-10-24. Review status: criteria provided, single submitter. Criteria: ACMG Guidelines, 2015. Collection method: clinical testing. Allele origin: germline.

Illumina Laboratory Services, Illumina
Classification: Benign for Holoprosencephaly 11. Last evaluated: 2018-01-13. Review status: criteria provided, single submitter. Criteria: ICSL Variant Classification Criteria 13 December 2019. Collection method: clinical testing. Allele origin: germline.
Comment: This variant was observed in the ICSL laboratory as part of a predisposition screen in an ostensibly healthy population. It had not been previously curated by ICSL or reported in the Human Gene Mutation Database (HGMD: prior to June 1st, 2018), and was therefore a candidate for classification through an automated scoring system. Utilizing variant allele frequency, disease prevalence and penetrance estimates, and inheritance mode, an automated score was calculated to assess if this variant is too frequent to cause the disease. Based on the score and internal cut-off values, a variant classified as benign is not then subjected to further curation. The score for this variant resulted in a classification of benign for this disease.

NM_001378964.1(CDON):c.2392A>G (p.Ile798Val)

Gene: CDON (cell adhesion associated, oncogene regulated; minus strand). Cytogenetic location: 11q24.2.
Variant type: single nucleotide variant.
Coding change: c.2392A>G on transcript NM_001378964.1 (MANE Select); coding-DNA position 2392, A replaced by G.
Protein change: p.Ile798Val; replaces isoleucine 798 with valine.
Molecular consequence: missense variant.
Genome position (GRCh38, 1-based): chr11:125,995,023, T>C on the plus strand (A>G on the coding strand, the complement: CDON is on the minus strand). VCF-style: chr11-125995023-T-C. GRCh37 (hg19) VCF-style: chr11-125864918-T-C.
Other names: c.2392A>G, p.Ile798Val (NM_001243597.3, NM_016952.6); short protein forms I798V.
Identifiers: ClinVar variation 303499 (VCV000303499.15), dbSNP rs142919781, ClinGen allele CA6351735.